The following is an entry in ClinVar:

ClinVar aggregate classification (germline): Likely benign. Review status: criteria provided, multiple submitters, no conflicts (2 of 4 stars). 2 submissions from 2 submitters: Likely benign (2). Last evaluated 2024-11-15.

Conditions:
TUB-related disorder. Also called: TUB-related condition.

gnomAD v4.1: 12 of 1,614,210 alleles (0.00074%); highest among the groups gnomAD compares: Non-Finnish European, 0.00093%; no homozygotes.

Submissions (2):

PreventionGenetics, part of Exact Sciences
Classification: Likely benign for TUB-related condition. Last evaluated: 2024-11-15. Review status: criteria provided, single submitter. Criteria: ACMG Guidelines, 2015. Collection method: clinical testing. Allele origin: germline.
Comment: This variant is classified as likely benign based on ACMG/AMP sequence variant interpretation guidelines (Richards et al. 2015 PMID: 25741868, with internal and published modifications).

Labcorp Genetics (formerly Invitae), Labcorp
Classification: Likely benign. Last evaluated: 2023-01-15. Review status: criteria provided, single submitter. Criteria: Invitae Variant Classification Sherloc (09022015). Collection method: clinical testing. Allele origin: germline.

NM_177972.3(TUB):c.1062A>C (p.Ser354=)

Genes: RIC3 (RIC3 acetylcholine receptor chaperone; minus strand), TUB (TUB bipartite transcription factor; plus strand). Cytogenetic location: 11p15.4.
Variant type: single nucleotide variant.
Coding change: c.1062A>C on transcript NM_177972.3 (MANE Select); coding-DNA position 1062, A replaced by C.
Protein change: p.Ser354=; no amino-acid change (serine 354 retained).
Molecular consequence: synonymous variant.
Genome position (GRCh38, 1-based): chr11:8,098,821, A>C. VCF-style: chr11-8098821-A-C. GRCh37 (hg19) VCF-style: chr11-8120368-A-C.
Other names: c.1227A>C (NM_003320.4); c.1227A>C, p.Ser409= (NM_003320.5).
Identifiers: ClinVar variation 2966111 (VCV002966111.4), dbSNP rs770123539, ClinGen allele CA217423684.